The following is an entry in ClinVar:

ClinVar aggregate classification (germline): Uncertain significance (1 of 4 stars; one submission).

Conditions:
Inborn genetic diseases. Identifiers: MedGen C0950123, MeSH D030342.

Submission:

Ambry Genetics
Classification: Uncertain significance for Inborn genetic diseases. Last evaluated: 2026-04-10. Review status: criteria provided, single submitter. Criteria: Ambry Variant Classification Scheme 2023. Collection method: clinical testing. Allele origin: germline.
Comment: The p.K329Q variant (also known as c.985A>C), located in coding exon 9 of the ANKRD26 gene, results from an A to C substitution at nucleotide position 985. The lysine at codon 329 is replaced by glutamine, an amino acid with similar properties. This amino acid position is conserved. In addition, this alteration is predicted to be tolerated by in silico analysis. Based on the available evidence, the clinical significance of this variant remains unclear.

NM_014915.3(ANKRD26):c.985A>C (p.Lys329Gln)

Gene: ANKRD26 (ankyrin repeat domain 26; minus strand). Cytogenetic location: 10p12.1.
Variant type: single nucleotide variant.
Coding change: c.985A>C on transcript NM_014915.3 (MANE Select); coding-DNA position 985, A replaced by C.
Protein change: p.Lys329Gln; replaces lysine 329 with glutamine.
Molecular consequence: missense variant.
Genome position (GRCh38, 1-based): chr10:27,077,430, T>G on the plus strand (A>C on the coding strand, the complement: ANKRD26 is on the minus strand). VCF-style: chr10-27077430-T-G. GRCh37 (hg19) VCF-style: chr10-27366359-T-G.
Other names: c.985A>C, p.Lys329Gln (NM_001256053.2); short protein forms K329Q.
Identifiers: ClinVar variation 4859251 (VCV004859251.1).
Genomic context (GRCh38, chr10:27,077,430, plus strand): 5'-GGGAAGGTTTTGGAAGAAGGTCAGGTGATTGATAGGTAGGATGAGAAAAGCACTGGACTT[T>G]GATTGATGTTGTAGGAAGGCTTTCAACCACAACTTCATCTTGACTATCGGAATCTCTATC-3'
Protein context (NP_055730.2, residues 319-339): VVESLPTTSI[Lys329Gln]VQCFSHPTYQ